The following is an entry in ClinVar:

NM_003289.4(TPM2):c.308_328del (p.Gln103_Ala109del)

Gene: TPM2 (tropomyosin 2; minus strand). Cytogenetic location: 9p13.3.
Variant type: Deletion.
Coding change: c.308_328del on transcript NM_003289.4 (MANE Select); coding-DNA positions 308 to 328, 21 bases deleted (AGGAGCGCCTGGCTACAGCCC).
Protein change: p.Gln103_Ala109del.
Molecular consequence: inframe deletion.
Genome position (GRCh38, 1-based): chr9:35,685,693-35,685,713, GGGCTGTAGCCAGGCGCTCCT deleted on the plus strand (AGGAGCGCCTGGCTACAGCCC on the coding strand, the reverse complement: TPM2 is on the minus strand); deleting any 21 consecutive bases within chr9:35,685,693-35,685,717 gives the same sequence; the c. name uses the placement nearest the transcript's 3' end. VCF-style (leftmost placement, unchanged base first): chr9-35685692-AGGGCTGTAGCCAGGCGCTCCT-A. GRCh37 (hg19) VCF-style: chr9-35685689-AGGGCTGTAGCCAGGCGCTCCT-A.
Other names: c.308_328del, p.Gln103_Ala109del (NM_001301226.2, NM_001301227.2, NM_213674.1).
Identifiers: ClinVar variation 4727792 (VCV004727792.1).

ClinVar aggregate classification (germline): Uncertain significance (1 of 4 stars; one submission).

Conditions:
Arthrogryposis, distal, type 1A. Also called: ARTHROGRYPOSIS MULTIPLEX CONGENITA, DISTAL, TYPE I. Identifiers: Orphanet 1146, MedGen C6022280, MONDO:0007157, OMIM 108120.

Submission:

Labcorp Genetics (formerly Invitae), Labcorp
Classification: Uncertain significance for Arthrogryposis, distal, type 1A. Last evaluated: 2025-09-24. Review status: criteria provided, single submitter. Criteria: Invitae Variant Classification Sherloc (09022015). Collection method: clinical testing. Allele origin: germline.
Comment: This variant, c.308_328del, results in the deletion of six amino acid(s) of the TPM2 protein (p.Gln103_Ala109del), but otherwise preserves the integrity of the reading frame. This variant is not present in population databases (gnomAD no frequency). This variant has not been reported in the literature in individuals affected with TPM2-related conditions. Experimental studies and prediction algorithms are not available or were not evaluated, and the functional significance of this variant is currently unknown. In summary, the available evidence is currently insufficient to determine the role of this variant in disease. Therefore, it has been classified as a Variant of Uncertain Significance.